The following is an entry in ClinVar:

NM_001351132.2(PEX5):c.1636C>T (p.Arg546Cys)

Gene: PEX5 (peroxisomal biogenesis factor 5; plus strand). Cytogenetic location: 12p13.31.
Variant type: single nucleotide variant.
Coding change: c.1636C>T on transcript NM_001351132.2 (MANE Select); coding-DNA position 1636, C replaced by T.
Protein change: p.Arg546Cys; replaces arginine 546 with cysteine.
Molecular consequence: missense variant.
Genome position (GRCh38, 1-based): chr12:7,209,758, C>T. VCF-style: chr12-7209758-C-T. GRCh37 (hg19) VCF-style: chr12-7362354-C-T.
Other names: c.1612C>T, p.Arg538Cys (NM_000319.5); c.1681C>T, p.Arg561Cys (NM_001131023.2); c.1525C>T, p.Arg509Cys (NM_001131024.2, NM_001351124.3, NM_001351126.2 and 7 more transcripts); c.1636C>T, p.Arg546Cys (NM_001131025.2, NM_001131026.2, NM_001300789.3 and 4 more transcripts); c.1570C>T, p.Arg524Cys (NM_001351135.3, NM_001351138.2); c.1627C>T, p.Arg543Cys (NM_001351136.2); c.1501C>T, p.Arg501Cys (NM_001351139.2, NM_001351140.2, NM_001374649.2); short protein forms R546C, R538C, R501C, R543C, R509C, R524C, R561C.
Identifiers: ClinVar variation 565733 (VCV000565733.12), dbSNP rs759334733, ClinGen allele CA6426530.
Genomic context (GRCh38, chr12:7,209,758, plus strand): 5'-AATAAGCTAGGCGCCACCCTGGCCAATGGAAACCAGAGTGAAGAAGCAGTAGCTGCGTAC[C>T]GCCGGGCCCTCGAGCTCCAGCCTGGCTATATCCGGTCCCGCTATAACCTGGGCATCAGCT-3'
Protein context (NP_001338061.1, residues 536-556): NQSEEAVAAY[Arg546Cys]RALELQPGYI

ClinVar aggregate classification (germline): Uncertain significance. Review status: criteria provided, multiple submitters, no conflicts (2 of 4 stars). 5 submissions from 5 submitters: Uncertain significance (5). Last evaluated 2023-03-10.

Conditions:
Inborn genetic diseases. Identifiers: MedGen C0950123, MeSH D030342.
Peroxisome biogenesis disorder 2B (PBD2B). Identifiers: Orphanet 44, MedGen C3550234, MONDO:0008736, OMIM 202370.
Peroxisome biogenesis disorder 2A (Zellweger) (PBD2A). Also called: Cerebrohepatorenal syndrome, variant types. Identifiers: Orphanet 912, MedGen C3550273, MONDO:0008954, OMIM 214110.

Allele frequency attached by ClinVar (database versions not stated): gnomAD 0.00009 and 0.00011; gnomAD exomes 0.00009 and 0.00006; TOPMed 0.00005; ExAC 0.00007.
gnomAD v4.1: 141 of 1,584,700 alleles (0.0089%); highest among the groups gnomAD compares: Middle Eastern, 0.05%; no homozygotes.

Submissions (5):

Blueprint Genetics
Classification: Uncertain significance. Last evaluated: 2023-03-10. Review status: criteria provided, single submitter. Criteria: ACMG Guidelines, 2015. Collection method: clinical testing. Allele origin: germline.

Labcorp Genetics (formerly Invitae), Labcorp
Classification: Uncertain significance for Peroxisome biogenesis disorder 2B. Last evaluated: 2022-09-07. Review status: criteria provided, single submitter. Criteria: Invitae Variant Classification Sherloc (09022015). Collection method: clinical testing. Allele origin: germline.
Comment: This sequence change replaces arginine, which is basic and polar, with cysteine, which is neutral and slightly polar, at codon 546 of the PEX5 protein (p.Arg546Cys). This variant is present in population databases (rs759334733, gnomAD 0.01%). This variant has not been reported in the literature in individuals affected with PEX5-related conditions. ClinVar contains an entry for this variant (Variation ID: 565733). Algorithms developed to predict the effect of missense changes on protein structure and function (SIFT, PolyPhen-2, Align-GVGD) all suggest that this variant is likely to be disruptive. In summary, the available evidence is currently insufficient to determine the role of this variant in disease. Therefore, it has been classified as a Variant of Uncertain Significance.

GeneDx
Classification: Uncertain significance. Last evaluated: 2022-05-16. Review status: criteria provided, single submitter. Criteria: GeneDx Variant Classification Process June 2021. Collection method: clinical testing. Allele origin: germline. Affected: yes.
Comment: Not observed at significant frequency in large population cohorts (gnomAD); In silico analysis supports that this missense variant has a deleterious effect on protein structure/function; Has not been previously published as pathogenic or benign to our knowledge

Ambry Genetics
Classification: Uncertain significance for Inborn genetic diseases. Last evaluated: 2021-06-03. Review status: criteria provided, single submitter. Criteria: Ambry Variant Classification Scheme 2023. Collection method: clinical testing. Allele origin: germline.

Illumina Laboratory Services, Illumina
Classification: Uncertain significance for Peroxisome biogenesis disorder 2A (Zellweger). Last evaluated: 2018-01-13. Review status: criteria provided, single submitter. Criteria: ICSL Variant Classification Criteria 13 December 2019. Collection method: clinical testing. Allele origin: germline.